The following is an entry in ClinVar:

NM_004974.4(KCNA2):c.1311G>T (p.Lys437Asn)

Gene: KCNA2 (potassium voltage-gated channel subfamily A member 2; minus strand). Cytogenetic location: 1p13.3.
Variant type: single nucleotide variant.
Coding change: c.1311G>T on transcript NM_004974.4 (MANE Select); coding-DNA position 1311, G replaced by T.
Protein change: p.Lys437Asn; replaces lysine 437 with asparagine.
Molecular consequence: missense variant. On other transcripts: intron variant (1).
Genome position (GRCh38, 1-based): chr1:110,603,472, C>A on the plus strand (G>T on the coding strand, the complement: KCNA2 is on the minus strand). VCF-style: chr1-110603472-C-A. GRCh37 (hg19) VCF-style: chr1-111146094-C-A.
Other names: c.894+417G>T (NM_001204269.2); short protein forms K437N.
Identifiers: ClinVar variation 2819318 (VCV002819318.3), dbSNP rs2524615421, ClinGen allele CA341600878.

ClinVar aggregate classification (germline): Uncertain significance (1 of 4 stars; one submission).

Conditions:
Developmental and epileptic encephalopathy, 32 (DEE32). Also called: Epileptic encephalopathy, early infantile, 32. Identifiers: Orphanet 442835, MedGen C4225350, MONDO:0014607, OMIM 616366.

Submission:

Labcorp Genetics (formerly Invitae), Labcorp
Classification: Uncertain significance for Developmental and epileptic encephalopathy, 32. Last evaluated: 2022-12-18. Review status: criteria provided, single submitter. Criteria: Invitae Variant Classification Sherloc (09022015). Collection method: clinical testing. Allele origin: germline.
Comment: This sequence change replaces lysine, which is basic and polar, with asparagine, which is neutral and polar, at codon 437 of the KCNA2 protein (p.Lys437Asn). This variant is not present in population databases (gnomAD no frequency). This variant has not been reported in the literature in individuals affected with KCNA2-related conditions. Advanced modeling of protein sequence and biophysical properties (such as structural, functional, and spatial information, amino acid conservation, physicochemical variation, residue mobility, and thermodynamic stability) performed at Invitae indicates that this missense variant is not expected to disrupt KCNA2 protein function. In summary, the available evidence is currently insufficient to determine the role of this variant in disease. Therefore, it has been classified as a Variant of Uncertain Significance.